The following is an entry in ClinVar:

NM_007294.4(BRCA1):c.1102G>T (p.Glu368Ter)

Gene: BRCA1 (BRCA1 DNA repair associated; minus strand). Cytogenetic location: 17q21.31.
Variant type: single nucleotide variant.
Coding change: c.1102G>T on transcript NM_007294.4 (MANE Select); coding-DNA position 1102, G replaced by T.
Protein change: p.Glu368Ter; replaces glutamic acid 368 with a stop codon.
Molecular consequence: nonsense. On other transcripts: intron variant (137).
Genome position (GRCh38, 1-based): chr17:43,094,429, C>A on the plus strand (G>T on the coding strand, the complement: BRCA1 is on the minus strand). VCF-style: chr17-43094429-C-A. GRCh37 (hg19) VCF-style: chr17-41246446-C-A.
Other names: 1221G>T; c.787+315G>T (NM_001408404.1, NM_001408472.1, NM_001407990.1 and 19 more transcripts); c.577+315G>T (NM_001408492.1, NM_001408513.1, NM_001408489.1 and 9 more transcripts); c.643+315G>T (NM_001408468.1, NM_001408465.1, NM_001408463.1 and 3 more transcripts); c.523+315G>T (NM_001408501.1, NM_001408500.1, NM_001408497.1 and 3 more transcripts); c.646+315G>T (NM_001408455.1, NM_001408466.1, NM_001408452.1 and 11 more transcripts); c.520+315G>T (NM_001408503.1, NM_001408505.1, NM_001408504.1); c.404-3397G>T (NM_001408511.1); and 41 more; short protein forms E368*, E321*, E200*, E240*, E257*, E280*, E365*, E298*.
Identifiers: ClinVar variation 54128 (VCV000054128.16), dbSNP rs80357139, ClinGen allele CA000736.
Genomic context (GRCh38, chr17:43,094,429, plus strand): 5'-TGGAAAACCACTCATTAACTTTCTGAATGCTGCTATTTAGTGTTATCCAAGGAACATCTT[C>A]AGTATCTCTAGGATTCTCTGAGCATGGCAGTTTCTGCTTATTCCATTCTTTTCTCTCACA-3'

ClinVar aggregate classification (germline): Pathogenic. Review status: reviewed by expert panel (3 of 4 stars). 8 submissions from 8 submitters: Pathogenic (1). 7 of the submissions do not count toward it. Last evaluated 2016-04-22.

Conditions:
Hereditary cancer-predisposing syndrome. Also called: Tumor predisposition; Neoplastic Syndromes, Hereditary; Hereditary Cancer Syndrome; Hereditary neoplastic syndrome. Identifiers: Orphanet 140162, MedGen C0027672, MeSH D009386, MONDO:0015356.
Hereditary breast ovarian cancer syndrome. Also called: Hereditary breast and ovarian cancer syndrome (HBOC); Hereditary breast and ovarian cancer syndrome; Hereditary breast and ovarian cancer; Hereditary breast and/or ovarian cancer syndrome; Breast and ovarian cancer; BRCA1- and BRCA2-Associated Hereditary Breast and Ovarian Cancer. Identifiers: Orphanet 145, MedGen C0677776, MeSH D061325, MONDO:0003582. Disease mechanism: loss of function.
Breast-ovarian cancer, familial, susceptibility to, 1 (BROVCA1). Also called: OVARIAN CANCER, SUSCEPTIBILITY TO; BRCA1 Hereditary Breast and Ovarian Cancer. Identifiers: Orphanet 145, MedGen C2676676, MONDO:0011450, OMIM 604370. Disease mechanism: loss of function.

Submissions (8):

Evidence-based Network for the Interpretation of Germline Mutant Alleles (ENIGMA)
Classification: Pathogenic for Breast-ovarian cancer, familial, susceptibility to, 1. Last evaluated: 2016-04-22. Review status: reviewed by expert panel. Criteria: ENIGMA BRCA1/2 Classification Criteria (2015). Collection method: curation. Allele origin: germline.
Comment: Variant allele predicted to encode a truncated non-functional protein.

Labcorp Genetics (formerly Invitae), Labcorp
Classification: Pathogenic for Hereditary breast ovarian cancer syndrome. Last evaluated: 2024-05-18. Review status: criteria provided, single submitter. Criteria: Invitae Variant Classification Sherloc (09022015). Collection method: clinical testing. Allele origin: germline. Not counted in ClinVar's aggregate classification.
Comment: This sequence change creates a premature translational stop signal (p.Glu368*) in the BRCA1 gene. It is expected to result in an absent or disrupted protein product. Loss-of-function variants in BRCA1 are known to be pathogenic (PMID: 20104584). This variant is not present in population databases (gnomAD no frequency). This premature translational stop signal has been observed in individual(s) with personal or family history of breast and/or ovarian cancer (PMID: 27062684, 29335924, 29446198). ClinVar contains an entry for this variant (Variation ID: 54128). For these reasons, this variant has been classified as Pathogenic.

Clinical Genetics Laboratory, Skane University Hospital Lund
Classification: Pathogenic. Last evaluated: 2022-05-27. Review status: criteria provided, single submitter. Criteria: ACMG Guidelines, 2015. Collection method: clinical testing. Allele origin: germline. Affected: yes. Not counted in ClinVar's aggregate classification.

Ambry Genetics
Classification: Pathogenic for Hereditary cancer-predisposing syndrome. Last evaluated: 2022-02-04. Review status: criteria provided, single submitter. Criteria: Ambry Variant Classification Scheme 2023. Collection method: clinical testing. Allele origin: germline. Not counted in ClinVar's aggregate classification.
Comment: The p.E368* pathogenic mutation (also known as c.1102G>T), located in coding exon 9 of the BRCA1 gene, results from a G to T substitution at nucleotide position 1102. This changes the amino acid from a glutamic acid to a stop codon within coding exon 9. This mutation has been reported in multiple individuals with hereditary breast and ovarian cancer (HBOC) syndrome (Maleva I et al. Balkan J Med Genet, 2012 Dec;15:81-5; Azzollini J et al. Eur J Intern Med, 2016 Jul;32:65-71; Walker LC et al. Eur J Hum Genet, 2017 04;25:432-438; Jakimovska M et al. Breast Cancer Res Treat, 2018 Apr;168:745-753; Rebbeck TR et al. Hum Mutat, 2018 05;39:593-620). In addition to the clinical data presented in the literature, this alteration is expected to result in loss of function by premature protein truncation or nonsense-mediated mRNA decay. As such, this alteration is interpreted as a disease-causing mutation.

Color Diagnostics, LLC DBA Color Health
Classification: Pathogenic for Hereditary cancer-predisposing syndrome. Last evaluated: 2020-01-15. Review status: criteria provided, single submitter. Criteria: ACMG Guidelines, 2015. Collection method: clinical testing. Allele origin: germline. Not counted in ClinVar's aggregate classification.
Comment: This variant changes 1 nucleotide in exon 10 of the BRCA1 gene, creating a premature translation stop signal. This variant is expected to result in an absent or non-functional protein product. This variant has not been identified in the general population by the Genome Aggregation Database (gnomAD). Loss of BRCA1 function is a known mechanism of disease. Based on the available evidence, this variant is classified as Pathogenic.

Consortium of Investigators of Modifiers of BRCA1/2 (CIMBA), c/o University of Cambridge
Classification: Pathogenic for Breast-ovarian cancer, familial, susceptibility to, 1. Last evaluated: 2015-10-02. Review status: criteria provided, single submitter. Criteria: CIMBA Mutation Classification guidelines May 2016. Collection method: clinical testing. Allele origin: germline. Not counted in ClinVar's aggregate classification.

Research Molecular Genetics Laboratory, Women's College Hospital, University of Toronto
Classification: Pathogenic for Hereditary breast ovarian cancer syndrome. Last evaluated: 2014-01-31. Review status: no assertion criteria provided. Collection method: research. Allele origin: germline. Affected: yes. Study: The Canadian Open Genetics Repository (COGR). Not counted in ClinVar's aggregate classification.

Breast Cancer Information Core (BIC) (BRCA1)
Classification: Pathogenic for Breast-ovarian cancer, familial 1. Review status: no assertion criteria provided. Collection method: clinical testing. Allele origin: germline. Affected: yes. Observed: 1 variant allele. Not counted in ClinVar's aggregate classification.

Literature cited by the submitters: PubMed 20104584 (cited by Labcorp Genetics (formerly Invitae), Labcorp); PubMed 27062684 (cited by Labcorp Genetics (formerly Invitae), Labcorp and Ambry Genetics); PubMed 29335924 (cited by Labcorp Genetics (formerly Invitae), Labcorp and Ambry Genetics); PubMed 29446198 (cited by Labcorp Genetics (formerly Invitae), Labcorp and Ambry Genetics); PubMed 24052750 (cited by Ambry Genetics); PubMed 28145423 (cited by Ambry Genetics).